The following is an entry in ClinVar:

ClinVar aggregate classification (germline): Uncertain significance (1 of 4 stars; one submission).

Conditions:
Granulomatous disease, chronic, autosomal recessive, cytochrome b-positive, type 3. Also called: GRANULOMATOUS DISEASE, CHRONIC, DUE TO NCF4 DEFICIENCY; Granulomatous disease, chronic, autosomal recessive, cytochrome b-positive, type III; GRANULOMATOUS DISEASE, CHRONIC, AUTOSOMAL RECESSIVE, 3; CGD, AUTOSOMAL RECESSIVE CYTOCHROME b-POSITIVE, TYPE III. Identifiers: Orphanet 379, MedGen C3151409, MONDO:0013507, OMIM 613960.

gnomAD v4.1: 33 of 1,613,942 alleles (0.002%); highest among the groups gnomAD compares: South Asian, 0.022%; 1 homozygote.

Submission:

Labcorp Genetics (formerly Invitae), Labcorp
Classification: Uncertain significance for Granulomatous disease, chronic, autosomal recessive, cytochrome b-positive, type 3. Last evaluated: 2025-04-17. Review status: criteria provided, single submitter. Criteria: Invitae Variant Classification Sherloc (09022015). Collection method: clinical testing. Allele origin: germline.
Comment: This sequence change replaces alanine, which is neutral and non-polar, with proline, which is neutral and non-polar, at codon 287 of the NCF4 protein (p.Ala287Pro). This variant is present in population databases (rs780144703, gnomAD 0.02%). This variant has not been reported in the literature in individuals affected with NCF4-related conditions. An algorithm developed to predict the effect of missense changes on protein structure and function (PolyPhen-2) suggests that this variant is likely to be disruptive. In summary, the available evidence is currently insufficient to determine the role of this variant in disease. Therefore, it has been classified as a Variant of Uncertain Significance.

NM_000631.5(NCF4):c.758+101G>C

Gene: NCF4 (neutrophil cytosolic factor 4; plus strand). Cytogenetic location: 22q12.3.
Variant type: single nucleotide variant.
Coding change: c.758+101G>C on transcript NM_000631.5 (MANE Select); 101 bases into the intron after coding-DNA position 758, G replaced by C.
Molecular consequence: intron variant. On other transcripts: missense variant (1).
Genome position (GRCh38, 1-based): chr22:36,875,884, G>C. VCF-style: chr22-36875884-G-C. GRCh37 (hg19) VCF-style: chr22-37271926-G-C.
Other names: c.859G>C, p.Ala287Pro (NM_013416.4); short protein forms A287P.
Identifiers: ClinVar variation 4742579 (VCV004742579.1).